The following is an entry in ClinVar:

ClinVar aggregate classification (germline): Uncertain significance (1 of 4 stars; one submission).

Conditions:
Hypertrophic cardiomyopathy. Also called: HYPERTROPHIC MYOCARDIOPATHY. Identifiers: Orphanet 217569, MedGen C0007194, MeSH D002312, MONDO:0005045, HP:0001639.

Submission:

All of Us Research Program, National Institutes of Health
Classification: Uncertain significance for Hypertrophic cardiomyopathy. Last evaluated: 2023-09-04. Review status: criteria provided, single submitter. Criteria: ACMG Guidelines, 2015. Collection method: clinical testing. Allele origin: germline. Inheritance: Autosomal dominant inheritance. Observed: 1 variant allele, 1 heterozygote.
Comment: This missense variant replaces lysine with arginine at codon 104 of the MYL2 protein. Computational prediction suggests that this variant may not impact protein structure and function (internally defined REVEL score threshold <= 0.5, PMID: 27666373). To our knowledge, functional studies have not been reported for this variant. This variant has not been reported in individuals affected with MYL2-related disorders in the literature. This variant has not been identified in the general population by the Genome Aggregation Database (gnomAD). The available evidence is insufficient to determine the role of this variant in disease conclusively. Therefore, this variant is classified as a Variant of Uncertain Significance.

This study involves interpretation of variants in research participants for the purpose of population health screening. Participant phenotype was not available at the time of variant classification. Additional details can be found in publication PMID: 35346344, PMCID: PMC8962531

NM_000432.4(MYL2):c.311A>G (p.Lys104Arg)

Gene: MYL2 (myosin light chain 2; minus strand). Cytogenetic location: 12q24.11.
Variant type: single nucleotide variant.
Coding change: c.311A>G on transcript NM_000432.4 (MANE Select); coding-DNA position 311, A replaced by G.
Protein change: p.Lys104Arg; replaces lysine 104 with arginine.
Molecular consequence: missense variant.
Genome position (GRCh38, 1-based): chr12:110,913,288, T>C on the plus strand (A>G on the coding strand, the complement: MYL2 is on the minus strand). VCF-style: chr12-110913288-T-C. GRCh37 (hg19) VCF-style: chr12-111351092-T-C.
Other names: c.269A>G, p.Lys90Arg (NM_001406745.1, NM_001406746.1); c.254A>G, p.Lys85Arg (NM_001406916.1); short protein forms K104R, K85R, K90R.
Identifiers: ClinVar variation 3073339 (VCV003073339.1), dbSNP rs2499808557, ClinGen allele CA386698030.